The following is an entry in ClinVar:

ClinVar aggregate classification (germline): Uncertain significance (1 of 4 stars; one submission).

Conditions:
Immunodeficiency, common variable, 10. Also called: IMMUNODEFICIENCY, COMMON VARIABLE, WITH CENTRAL ADRENAL INSUFFICIENCY; DEFICIT IN ANTERIOR PITUITARY FUNCTION AND VARIABLE IMMUNODEFICIENCY. Identifiers: MedGen C3809991, MONDO:0014260, OMIM 615577.

Submission:

Labcorp Genetics (formerly Invitae), Labcorp
Classification: Uncertain significance for Immunodeficiency, common variable, 10. Last evaluated: 2022-11-28. Review status: criteria provided, single submitter. Criteria: Invitae Variant Classification Sherloc (09022015). Collection method: clinical testing. Allele origin: germline.
Comment: This sequence change creates a premature translational stop signal (p.Glu851Argfs*32) in the NFKB2 gene. While this is not anticipated to result in nonsense mediated decay, it is expected to disrupt the last 50 amino acid(s) of the NFKB2 protein. This variant is not present in population databases (gnomAD no frequency). This variant has not been reported in the literature in individuals affected with NFKB2-related conditions. Experimental studies and prediction algorithms are not available or were not evaluated, and the functional significance of this variant is currently unknown. In summary, the available evidence is currently insufficient to determine the role of this variant in disease. Therefore, it has been classified as a Variant of Uncertain Significance.

NM_001322934.2(NFKB2):c.2550_2557del (p.Glu851fs)

Gene: NFKB2 (nuclear factor kappa B subunit 2; plus strand). Cytogenetic location: 10q24.32.
Variant type: Deletion.
Coding change: c.2550_2557del on transcript NM_001322934.2 (MANE Select); coding-DNA positions 2550 to 2557, 8 bases deleted (AGAAACCC; older notation c.2550_2557delAGAAACCC).
Protein change: p.Glu851fs; shifts the reading frame from glutamic acid 851.
Molecular consequence: frameshift variant.
Genome position (GRCh38, 1-based): chr10:102,402,131-102,402,138, AGAAACCC deleted; deleting any 8 consecutive bases within chr10:102,402,129-102,402,138 gives the same sequence; the c. name uses the placement nearest the transcript's 3' end. VCF-style (leftmost placement, unchanged base first): chr10-102402128-TCCAGAAAC-T. GRCh37 (hg19) VCF-style: chr10-104161885-TCCAGAAAC-T.
Other names: c.2550_2557delAGAAACCC, p.Glu851Argfs (NM_001077493.1); c.2550_2557del, p.Glu851fs (NM_001077494.3, NM_001261403.3, NM_001288724.1 and 1 more transcripts); c.2424_2431del, p.Glu809fs (NM_001322935.1); short protein forms E809fs, E851fs.
Identifiers: ClinVar variation 2817019 (VCV002817019.3), dbSNP rs2544605710, ClinGen allele CA2739275979.
Genomic context (GRCh38, chr10:102,402,128, plus strand): 5'-AGGTCTACTGGAGGCCCTGTCTGACATGGGCCTAGAGGAGGGAGTGAGGCTGCTGAGGGG[TCCAGAAAC>T]CCGAGACAAGCTGCCCAGCACAGGTAAAGGGGCCTCCCTGGAAGGTGGATCTGGACCTGG-3'